The following is an entry in ClinVar:

NM_001267550.2(TTN):c.11558G>A (p.Trp3853Ter)

Gene: TTN (titin; minus strand). Cytogenetic location: 2q31.2.
Variant type: single nucleotide variant.
Coding change: c.11558G>A on transcript NM_001267550.2 (MANE Select); coding-DNA position 11558, G replaced by A.
Protein change: p.Trp3853Ter; replaces tryptophan 3853 with a stop codon.
Molecular consequence: nonsense. On other transcripts: intron variant (1).
Genome position (GRCh38, 1-based): chr2:178,741,675, C>T on the plus strand (G>A on the coding strand, the complement: TTN is on the minus strand). VCF-style: chr2-178741675-C-T. GRCh37 (hg19) VCF-style: chr2-179606402-C-T.
Other names: c.10607G>A, p.Trp3536Ter (NM_001256850.1); c.10469G>A, p.Trp3490Ter (NM_003319.4); c.10844G>A, p.Trp3615Ter (NM_133432.3); c.11045G>A, p.Trp3682Ter (NM_133437.4); c.10361-3315G>A (NM_133378.4); short protein forms W3490*, W3536*, W3615*, W3682*, W3853*.
Identifiers: ClinVar variation 3756793 (VCV003756793.2).

ClinVar aggregate classification (germline): Likely pathogenic (1 of 4 stars; one submission).

Conditions:
Dilated cardiomyopathy 1G (CMD1G). Identifiers: Orphanet 154, MedGen C1858763, MONDO:0011400, OMIM 604145.
Autosomal recessive limb-girdle muscular dystrophy type 2J (LGMDR10). Also called: Limb-girdle muscular dystrophy, type 2J; MUSCULAR DYSTROPHY, LIMB-GIRDLE, AUTOSOMAL RECESSIVE 10. Identifiers: Orphanet 140922, MedGen C1837342, MONDO:0012127, OMIM 608807.

Submission:

Labcorp Genetics (formerly Invitae), Labcorp
Classification: Likely pathogenic for Dilated cardiomyopathy 1G; Autosomal recessive limb-girdle muscular dystrophy type 2J. Last evaluated: 2024-06-12. Review status: criteria provided, single submitter. Criteria: Invitae Variant Classification Sherloc (09022015). Collection method: clinical testing. Allele origin: germline.
Comment: This sequence change creates a premature translational stop signal (p.Trp3853*) in the TTN gene. While this is not anticipated to result in nonsense mediated decay, it is expected to create a truncated TTN protein. This variant is not present in population databases (gnomAD no frequency). This variant has not been reported in the literature in individuals affected with TTN-related conditions. This variant is located in the I band of TTN (PMID: 25589632). Truncating variants in this region have been reported in individuals affected with autosomal recessive centronuclear myopathy (PMID: 23975875, Invitae internal data). Truncating variants in this region have also been identified in individuals affected with autosomal dominant dilated cardiomyopathy and/or cardio-related conditions (PMID: 27869827, 32964742, Invitae internal data). In summary, the currently available evidence indicates that the variant is pathogenic, but additional data are needed to prove that conclusively. Therefore, this variant has been classified as Likely Pathogenic.

Literature cited by the submitters: PubMed 25589632; PubMed 23975875; PubMed 27869827; PubMed 32964742.